The following is an entry in ClinVar:

ClinVar aggregate classification (germline): Pathogenic. Review status: criteria provided, multiple submitters, no conflicts (2 of 4 stars). 8 submissions from 8 submitters: Pathogenic (7). 1 of the submissions does not count toward it. Last evaluated 2025-06-27.

Conditions:
MYCN-related disorder. Also called: MYCN-related condition.
Megalencephaly-polydactyly syndrome (MPAPA). Identifiers: MedGen C5935591, MONDO:0958279, OMIM 620748.
Feingold syndrome type 1 (FGLDS1). Also called: MICROCEPHALY, MENTAL RETARDATION, AND TRACHEOESOPHAGEAL FISTULA SYNDROME; MICROCEPHALY-OCULO-DIGITO-ESOPHAGEAL-DUODENAL SYNDROME; OCULODIGITOESOPHAGODUODENAL SYNDROME; ODED SYNDROME; MICROCEPHALY AND DIGITAL ABNORMALITIES WITH NORMAL INTELLIGENCE. Identifiers: Orphanet 1305, Orphanet 391641, MedGen C4551774, MONDO:0008115, OMIM 164280.

Submissions (8):

Victorian Clinical Genetics Services, Murdoch Childrens Research Institute
Classification: Pathogenic for Feingold syndrome type 1. Last evaluated: 2025-06-27. Review status: criteria provided, single submitter. Criteria: ACMG Guidelines, 2015. Collection method: clinical testing. Allele origin: germline. Affected: yes.
Comment: This variant is classified as Pathogenic. Evidence in support of pathogenic classification: Variant is predicted to result in a truncated protein (premature termination codon is NOT located at least 54 nucleotides upstream of the final exon-exon junction) with less than 1/3 of the protein sequence affected; Variant is present in gnomAD <0.001 for a dominant condition (v2: 1 heterozygote(s), 0 homozygote(s)); This variant has moderate previous evidence of pathogenicity in unrelated individuals. This variant has been classified as pathogenic by multiple clinical laboratories in ClinVar. - Other protein truncating variants comparable to the one identified in this case have very strong previous evidence for pathogenicity (DECIPHER). Additional information: This variant is heterozygous; This gene is associated with autosomal dominant disease; Loss of function and gain of function are known mechanisms of disease in this gene and are associated with Feingold syndrome 1 (MIM#164280), and megalencephaly-polydactyly syndrome (MIM#620748), respectively; Parental origin of the variant is unresolved.

Medical Genetics Center, Maternal and Child Health Hospital of Hubei Province
Classification: Pathogenic for Feingold syndrome type 1. Last evaluated: 2024-08-24. Review status: criteria provided, single submitter. Criteria: ACMG Guidelines, 2015. Collection method: clinical testing. Allele origin: de novo. Affected: yes.
Comment: PS2+PVS1_Strong+PM2_Supporting

Fulgent Genetics
Classification: Pathogenic for Feingold syndrome type 1; Megalencephaly-polydactyly syndrome. Last evaluated: 2024-01-30. Review status: criteria provided, single submitter. Criteria: ACMG Guidelines, 2015. Collection method: clinical testing. Allele origin: germline.

GeneDx
Classification: Pathogenic. Last evaluated: 2022-10-23. Review status: criteria provided, single submitter. Criteria: GeneDx Variant Classification Process June 2021. Collection method: clinical testing. Allele origin: germline. Affected: yes.
Comment: Nonsense variant in the C-terminus predicted to result in protein truncation, as the last 92 amino acids are lost, and other loss-of-function variants have been reported downstream in the Human Gene Mutation Database (HGMD); This variant is associated with the following publications: (PMID: 15821734, 18470948, 33442900, 35620261, 32250545)

Blueprint Genetics
Classification: Pathogenic for MYCN-related disorders. Last evaluated: 2020-09-11. Review status: criteria provided, single submitter. Criteria: ACMG Guidelines, 2015. Collection method: clinical testing. Allele origin: germline. Affected: yes. Observed: 1 variant allele.

CeGaT Center for Human Genetics Tuebingen
Classification: Pathogenic. Last evaluated: 2016-09-01. Review status: criteria provided, single submitter. Criteria: CeGaT Center For Human Genetics Tuebingen Variant Classification Criteria Version 2. Collection method: clinical testing. Allele origin: germline. Affected: yes. Observed: 1 variant allele.

Clinical Genetics Service, Universitary Hospital 12 de Octubre
Classification: Pathogenic for Feingold syndrome type 1. Review status: criteria provided, single submitter. Criteria: ACMG Guidelines, 2015. Collection method: clinical testing. Allele origin: de novo. Affected: yes.

GeneReviews
No classification provided. Condition: Feingold syndrome type 1. Review status: no classification provided. Collection method: literature only. Allele origin: germline. Not counted in ClinVar's aggregate classification.

Literature cited by the submitters: PubMed 15821734 (cited by Medical Genetics Center, Maternal and Child Health Hospital of Hubei Province); PubMed 33057194 (cited by Medical Genetics Center, Maternal and Child Health Hospital of Hubei Province); PubMed 33442900 (cited by Medical Genetics Center, Maternal and Child Health Hospital of Hubei Province); PubMed 35982159 (cited by Medical Genetics Center, Maternal and Child Health Hospital of Hubei Province); PubMed 18470948 (cited by GeneReviews); PubMed 20301770 (cited by GeneReviews).

NM_005378.6(MYCN):c.1117C>T (p.Arg373Ter)

Gene: MYCN (MYCN proto-oncogene, bHLH transcription factor; plus strand). Cytogenetic location: 2p24.3.
Variant type: single nucleotide variant.
Coding change: c.1117C>T on transcript NM_005378.6 (MANE Select); coding-DNA position 1117, C replaced by T.
Protein change: p.Arg373Ter; replaces arginine 373 with a stop codon.
Molecular consequence: nonsense. On other transcripts: 3 prime UTR variant (1).
Genome position (GRCh38, 1-based): chr2:15,945,819, C>T. VCF-style: chr2-15945819-C-T. GRCh37 (hg19) VCF-style: chr2-16085941-C-T.
Other names: c.1117C>T, p.Arg373Ter (NM_001293228.2); c.484C>T, p.Arg162Ter (NM_001293231.2); c.*1052C>T (NM_001293233.2); short protein forms R373*, R162*.
Identifiers: ClinVar variation 545970 (VCV000545970.52), dbSNP rs754137452, ClinGen allele CA345932307.
Genomic context (GRCh38, chr2:15,945,819, plus strand): 5'-GAGGCGTCCCCACGTCCGCTCAAGAGTGTCATCCCCCCAAAGGCTAAGAGCTTGAGCCCC[C>T]GAAACTCTGACTCGGAGGACAGTGAGCGTCGCAGAAACCACAACATCCTGGAGCGCCAGC-3'